The following is an entry in ClinVar:

ClinVar aggregate classification (germline): Uncertain significance. Review status: criteria provided, multiple submitters, no conflicts (2 of 4 stars). 3 submissions from 3 submitters: Uncertain significance (2). 1 of the submissions does not count toward it. Last evaluated 2024-01-10.

Conditions:
Renal carnitine transport defect (CDSP). Also called: Carnitine transporter deficiency; Carnitine Deficiency, Systemic; Primary carnitine deficiency; Systemic primary carnitine deficiency disease; CARNITINE DEFICIENCY, SYSTEMIC, DUE TO DEFECT IN RENAL REABSORPTION OF CARNITINE; CARNITINE TRANSPORTER, PLASMA-MEMBRANE, DEFICIENCY OF. Identifiers: Orphanet 158, MedGen C0342788, MONDO:0008919, OMIM 212140.

Allele frequency attached by ClinVar (database versions not stated): TOPMed 0.00001; ESP Exome Variant Server 0.00008.

Submissions (3):

Mayo Clinic Laboratories, Mayo Clinic
Classification: Uncertain significance. Last evaluated: 2024-01-10. Review status: criteria provided, single submitter. Criteria: ACMG Guidelines, 2015. Collection method: clinical testing. Allele origin: germline. Observed: 1 variant allele.
Comment: PM2

GeneDx
Classification: Uncertain significance. Last evaluated: 2017-04-19. Review status: criteria provided, single submitter. Criteria: GeneDx Variant Classification (06012015). Collection method: clinical testing. Allele origin: germline. Affected: yes.
Comment: The I348K variant has not been published as a pathogenic variant, nor has it been reported as a benign variant to our knowledge. The I348K variant is not observed at a significant frequency in large population cohorts (Lek et al., 2016; 1000 Genomes Consortium et al., 2015; Exome Variant Server). The I348K variant is a non-conservative amino acid substitution, which is likely to impact secondary protein structure as these residues differ in polarity, charge, size and/or other properties. This substitution occurs at a position that is not conserved. In silico analysis predicts this variant is probably damaging to the protein structure/function. In summary, based on the currently available information, it is unclear whether this variant is a pathogenic variant or a rare benign variant.

Natera, Inc.
Classification: Uncertain significance for Primary systemic carnitine deficiency. Last evaluated: 2020-09-16. Review status: no assertion criteria provided. Collection method: clinical testing. Allele origin: germline. Not counted in ClinVar's aggregate classification.

NM_003060.4(SLC22A5):c.1043T>A (p.Ile348Lys)

Gene: SLC22A5 (solute carrier family 22 member 5; plus strand). Cytogenetic location: 5q31.1.
Variant type: single nucleotide variant.
Coding change: c.1043T>A on transcript NM_003060.4 (MANE Select); coding-DNA position 1043, T replaced by A.
Protein change: p.Ile348Lys; replaces isoleucine 348 with lysine.
Molecular consequence: missense variant.
Genome position (GRCh38, 1-based): chr5:132,389,012, T>A. VCF-style: chr5-132389012-T-A. GRCh37 (hg19) VCF-style: chr5-131724704-T-A.
Other names: p.Ile348Lys; c.1115T>A, p.Ile372Lys (NM_001308122.2); short protein forms I348K, I372K.
Identifiers: ClinVar variation 426359 (VCV000426359.3), dbSNP rs150544263, ClinGen allele CA3404050.